The following is an entry in ClinVar:

NC_000010.11:g.(?_71682445)_(71682572_?)del

Gene: CDH23 (cadherin related 23; plus strand). Cytogenetic location: 10q22.1.
Variant type: Deletion.
Identifiers: ClinVar variation 832138 (VCV000832138.1).

ClinVar aggregate classification (germline): Pathogenic (1 of 4 stars; one submission).

Submission:

Labcorp Genetics (formerly Invitae), Labcorp
Classification: Pathogenic. Last evaluated: 2019-10-08. Review status: criteria provided, single submitter. Criteria: Invitae Variant Classification Sherloc (09022015). Collection method: clinical testing. Allele origin: germline.
Comment: This variant is an out-of-frame deletion of the genomic region encompassing exon 18 of the CDH23 gene. This is expected to create a premature translational stop signal and result in an absent or disrupted protein product. This variant has not been reported in the literature in individuals with CDH23-related conditions. Loss-of-function variants in CDH23 are known to be pathogenic (PMID: 11138009, 21940737). For these reasons, this variant has been classified as Pathogenic.